The following is an entry in ClinVar:

NM_015102.5(NPHP4):c.1045G>A (p.Val349Ile)

Gene: NPHP4 (nephrocystin 4; minus strand). Cytogenetic location: 1p36.31.
Variant type: single nucleotide variant.
Coding change: c.1045G>A on transcript NM_015102.5 (MANE Select); coding-DNA position 1045, G replaced by A.
Protein change: p.Val349Ile; replaces valine 349 with isoleucine.
Molecular consequence: missense variant. On other transcripts: 5 prime UTR variant (2), non-coding transcript variant (1).
Genome position (GRCh38, 1-based): chr1:5,947,178, C>T on the plus strand (G>A on the coding strand, the complement: NPHP4 is on the minus strand). VCF-style: chr1-5947178-C-T. GRCh37 (hg19) VCF-style: chr1-6007238-C-T.
Other names: c.-322G>A (NM_001291593.2, NM_001291594.2); short protein forms V349I.
Identifiers: ClinVar variation 2171500 (VCV002171500.1), dbSNP rs572460781, ClinGen allele CA554657.

ClinVar aggregate classification (germline): Uncertain significance (1 of 4 stars; one submission).

Conditions:
Nephronophthisis. Also called: Juvenile Nephronophthisis. Identifiers: Orphanet 655, MedGen C0687120, MONDO:0019005, HP:0000090.

Allele frequency attached by ClinVar (database versions not stated): ExAC 0.00001; 1000 Genomes Project 30x 0.00016; 1000 Genomes Project 0.00020.
gnomAD v4.1: 10 of 1,613,962 alleles (0.00062%); highest among the groups gnomAD compares: South Asian, 0.0066%; no homozygotes.

Submission:

Labcorp Genetics (formerly Invitae), Labcorp
Classification: Uncertain significance for Nephronophthisis. Last evaluated: 2022-01-20. Review status: criteria provided, single submitter. Criteria: Invitae Variant Classification Sherloc (09022015). Collection method: clinical testing. Allele origin: germline.
Comment: This sequence change replaces valine, which is neutral and non-polar, with isoleucine, which is neutral and non-polar, at codon 349 of the NPHP4 protein (p.Val349Ile). This variant is present in population databases (rs572460781, gnomAD 0.007%). This variant has not been reported in the literature in individuals affected with NPHP4-related conditions. Algorithms developed to predict the effect of missense changes on protein structure and function (SIFT, PolyPhen-2, Align-GVGD) all suggest that this variant is likely to be tolerated. In summary, the available evidence is currently insufficient to determine the role of this variant in disease. Therefore, it has been classified as a Variant of Uncertain Significance.